The following is an entry in ClinVar:

ClinVar aggregate classification (germline): Uncertain significance (1 of 4 stars; one submission).

Conditions:
Neurofibromatosis, type 1 (NF1). Also called: Neurofibromatosis, type I; NEUROFIBROMATOSIS, TYPE I, SOMATIC; Peripheral type neurofibromatosis; VON RECKLINGHAUSEN DISEASE. Identifiers: Orphanet 636, MedGen C0027831, MONDO:0018975, OMIM 162200. Disease mechanism: loss of function.

Submission:

Labcorp Genetics (formerly Invitae), Labcorp
Classification: Uncertain significance for Neurofibromatosis, type 1. Last evaluated: 2016-12-11. Review status: criteria provided, single submitter. Criteria: Invitae Variant Classification Sherloc (09022015). Collection method: clinical testing. Allele origin: germline.
Comment: Algorithms developed to predict the effect of missense changes on protein structure and function do not agree on the potential impact of this missense change (SIFT: "Tolerated"; PolyPhen-2: "Possibly Damaging"; Align-GVGD: "Class C0"). In summary, this variant is a novel missense change with uncertain impact on protein function. It has been classified as a Variant of Uncertain Significance. This variant is not present in population databases (ExAC no frequency) and has not been reported in the literature in individuals with a NF1-related disease. This sequence change replaces serine with asparagine at codon 35 of the NF1 protein (p.Ser35Asn). The serine residue is highly conserved and there is a small physicochemical difference between serine and asparagine.

NM_001042492.3(NF1):c.104G>A (p.Ser35Asn)

Gene: NF1 (neurofibromin 1; plus strand). Cytogenetic location: 17q11.2.
Variant type: single nucleotide variant.
Coding change: c.104G>A on transcript NM_001042492.3 (MANE Select); coding-DNA position 104, G replaced by A.
Protein change: p.Ser35Asn; replaces serine 35 with asparagine.
Molecular consequence: missense variant.
Genome position (GRCh38, 1-based): chr17:31,156,026, G>A. VCF-style: chr17-31156026-G-A. GRCh37 (hg19) VCF-style: chr17-29483044-G-A.
Other names: c.104G>A, p.Ser35Asn (NM_001128147.3, NM_000267.4); short protein forms S35N.
Identifiers: ClinVar variation 404471 (VCV000404471.5), dbSNP rs1060500282, ClinGen allele CA16615406.